The following is an entry in ClinVar:

ClinVar aggregate classification (germline): Uncertain significance. Review status: criteria provided, multiple submitters, no conflicts (2 of 4 stars). 3 submissions from 3 submitters: Uncertain significance (3). Last evaluated 2025-12-31.

Conditions:
Familial thoracic aortic aneurysm and aortic dissection (TAAD). Also called: Thoracic aortic aneurysms and dissections. Identifiers: Orphanet 91387, MedGen C4707243, MONDO:0019625.

Allele frequency attached by ClinVar (database versions not stated): TOPMed below 0.00001; gnomAD 0.00001; gnomAD exomes 0.00001.
gnomAD v4.1: 4 of 1,613,990 alleles (0.00025%); highest among the groups gnomAD compares: African/African-American, 0.0027%; no homozygotes.

Submissions (3):

Labcorp Genetics (formerly Invitae), Labcorp
Classification: Uncertain significance for Familial thoracic aortic aneurysm and aortic dissection. Last evaluated: 2025-12-31. Review status: criteria provided, single submitter. Criteria: Invitae Variant Classification Sherloc (09022015). Collection method: clinical testing. Allele origin: germline.
Comment: This sequence change replaces isoleucine, which is neutral and non-polar, with valine, which is neutral and non-polar, at codon 37 of the TGFBR2 protein (p.Ile37Val). This variant is present in population databases (no rsID available, gnomAD 0.007%). This variant has not been reported in the literature in individuals affected with TGFBR2-related conditions. ClinVar contains an entry for this variant (Variation ID: 2047502). Invitae Evidence Modeling of protein sequence and biophysical properties (such as structural, functional, and spatial information, amino acid conservation, physicochemical variation, residue mobility, and thermodynamic stability) indicates that this missense variant is not expected to disrupt TGFBR2 protein function with a negative predictive value of 95%. In summary, the available evidence is currently insufficient to determine the role of this variant in disease. Therefore, it has been classified as a Variant of Uncertain Significance.

Ambry Genetics
Classification: Uncertain significance for Familial thoracic aortic aneurysm and aortic dissection. Last evaluated: 2024-08-31. Review status: criteria provided, single submitter. Criteria: Ambry Variant Classification Scheme 2023. Collection method: clinical testing. Allele origin: germline.
Comment: The p.I37V variant (also known as c.109A>G), located in coding exon 2 of the TGFBR2 gene, results from an A to G substitution at nucleotide position 109. The isoleucine at codon 37 is replaced by valine, an amino acid with highly similar properties. This amino acid position is conserved. In addition, this alteration is predicted to be tolerated by in silico analysis. Based on the available evidence, the clinical significance of this variant remains unclear.

Color Diagnostics, LLC DBA Color Health
Classification: Uncertain significance for Familial thoracic aortic aneurysm and aortic dissection. Last evaluated: 2024-02-12. Review status: criteria provided, single submitter. Criteria: ACMG Guidelines, 2015. Collection method: clinical testing. Allele origin: germline.
Comment: This missense variant replaces isoleucine with valine at codon 37 of the TGFBR2 protein. Computational prediction suggests that this variant may not impact protein structure and function (internally defined REVEL score threshold <= 0.5, PMID: 27666373). To our knowledge, functional studies have not been reported for this variant. This variant has not been reported in individuals affected with TGFBR2-related disorders in the literature. This variant has been identified in 1/251000 chromosomes in the general population by the Genome Aggregation Database (gnomAD). The available evidence is insufficient to determine the role of this variant in disease conclusively. Therefore, this variant is classified as a Variant of Uncertain Significance.

NM_003242.6(TGFBR2):c.109A>G (p.Ile37Val)

Gene: TGFBR2 (transforming growth factor beta receptor 2; plus strand). Cytogenetic location: 3p24.1.
Variant type: single nucleotide variant.
Coding change: c.109A>G on transcript NM_003242.6 (MANE Select); coding-DNA position 109, A replaced by G.
Protein change: p.Ile37Val; replaces isoleucine 37 with valine.
Molecular consequence: missense variant.
Genome position (GRCh38, 1-based): chr3:30,644,761, A>G. VCF-style: chr3-30644761-A-G. GRCh37 (hg19) VCF-style: chr3-30686253-A-G.
Other names: c.184A>G, p.Ile62Val (NM_001024847.3, NM_001407126.1, NM_001407139.1); c.109A>G, p.Ile37Val (NM_001407127.1, NM_001407130.1); c.136A>G, p.Ile46Val (NM_001407128.1); c.4A>G, p.Ile2Val (NM_001407129.1, NM_001407132.1, NM_001407133.1 and 3 more transcripts); c.109A>G (NM_003242.5); short protein forms I2V, I46V, I37V, I62V.
Identifiers: ClinVar variation 2047502 (VCV002047502.6), dbSNP rs969666859, ClinGen allele CA71499880.
Genomic context (GRCh38, chr3:30,644,761, plus strand): 5'-GCCTGGCAGTTGGATAATCATTTAATATATCTTTCTCTCTCCTCAGTTAATAACGACATG[A>G]TAGTCACTGACAACAACGGTGCAGTCAAGTTTCCACAACTGTGTAAATTTTGTGATGTGA-3'
Protein context (NP_003233.4, residues 27-47): HVQKSVNNDM[Ile37Val]VTDNNGAVKF